The following is an entry in ClinVar:

ClinVar aggregate classification (germline): Uncertain significance (1 of 4 stars; one submission).

Allele frequency attached by ClinVar (database versions not stated): gnomAD 0.00001; TOPMed 0.00001; gnomAD exomes 0.00002.
gnomAD v4.1: 25 of 1,549,302 alleles (0.0016%); highest among the groups gnomAD compares: South Asian, 0.0024%; no homozygotes.

Submission:

Labcorp Genetics (formerly Invitae), Labcorp
Classification: Uncertain significance. Last evaluated: 2022-02-19. Review status: criteria provided, single submitter. Criteria: Invitae Variant Classification Sherloc (09022015). Collection method: clinical testing. Allele origin: germline.
Comment: In summary, the available evidence is currently insufficient to determine the role of this variant in disease. Therefore, it has been classified as a Variant of Uncertain Significance. This variant has not been reported in the literature in individuals affected with ZSWIM6-related conditions. This variant is present in population databases (no rsID available, gnomAD 0.01%). This sequence change affects codon 928 of the ZSWIM6 mRNA. It is a 'silent' change, meaning that it does not change the encoded amino acid sequence of the ZSWIM6 protein. It affects a nucleotide within the consensus splice site. Algorithms developed to predict the effect of sequence changes on RNA splicing suggest that this variant is not likely to affect RNA splicing.

NM_020928.2(ZSWIM6):c.2784C>T (p.Val928=)

Gene: ZSWIM6 (zinc finger SWIM-type containing 6; plus strand). Cytogenetic location: 5q12.1.
Variant type: single nucleotide variant.
Coding change: c.2784C>T on transcript NM_020928.2 (MANE Select); coding-DNA position 2784, C replaced by T.
Protein change: p.Val928=; no amino-acid change (valine 928 retained).
Molecular consequence: synonymous variant.
Genome position (GRCh38, 1-based): chr5:61,541,964, C>T. VCF-style: chr5-61541964-C-T. GRCh37 (hg19) VCF-style: chr5-60837791-C-T.
Identifiers: ClinVar variation 1915974 (VCV001915974.5), dbSNP rs979300741, ClinGen allele CA119664118.
Genomic context (GRCh38, chr5:61,541,964, plus strand): 5'-AACCTTAAATTGGCGACGGCGGGAGATGGTGAGGTGGCTGGTAACGTGTGCTACTGAAGT[C>T]GGTAGGTAAACTCTGGAACAGAAGCTTTCCTAGGTGCCTCATGGTAGGATTTAACTTGTC-3'
Protein context (NP_065979.1, residues 918-938): VRWLVTCATE[Val928=]GVYALDSIMQ